The following is an entry in ClinVar:

NM_001080517.3(SETD5):c.3032del (p.Pro1011fs)

Gene: SETD5 (SET domain containing 5; plus strand). Cytogenetic location: 3p25.3.
Variant type: Deletion.
Coding change: c.3032del on transcript NM_001080517.3 (MANE Select); coding-DNA position 3032, one base deleted (C; older notation c.3032delC).
Protein change: p.Pro1011fs; shifts the reading frame from proline 1011.
Molecular consequence: frameshift variant.
Genome position (GRCh38, 1-based): chr3:9,470,766, C deleted; the last of 2 consecutive C bases (chr3:9,470,765-9,470,766); deleting either gives the same sequence. VCF-style (leftmost placement, unchanged base first): chr3-9470764-GC-G. GRCh37 (hg19) VCF-style: chr3-9512448-GC-G.
Other names: c.2738del, p.Pro913fs (NM_001292043.2, NM_001349451.2); c.3128del, p.Pro1043fs (NM_001437633.1); c.3146del, p.Pro1049fs (NM_001437635.1); c.3089del, p.Pro1030fs (NM_001437643.1); c.3071del, p.Pro1024fs (NM_001437701.1); short protein forms P1043fs, P913fs, P1011fs, P1030fs, P1024fs, P1049fs.
Identifiers: ClinVar variation 5006708 (VCV005006708.2).

ClinVar aggregate classification (germline): Likely pathogenic (1 of 4 stars; one submission).

Conditions:
Intellectual disability-facial dysmorphism syndrome due to SETD5 haploinsufficiency (MRD23). Also called: Intellectual developmental disorder, autosomal dominant 23. Identifiers: Orphanet 404440, MedGen C3810406, MONDO:0014336, OMIM 615761.

Submission:

Juno Genomics, Hangzhou Juno Genomics, Inc
Classification: Likely pathogenic for Intellectual disability-facial dysmorphism syndrome due to SETD5 haploinsufficiency. Review status: criteria provided, single submitter. Criteria: ACMG Guidelines, 2015. Collection method: clinical testing. Allele origin: germline.
Comment: Null variant in a gene where loss of function (LOF) is a known mechanism of disease.;Absent from controls (or at extremely low frequency if recessive) in Genome Aggregation Database.